The following is an entry in ClinVar:

ClinVar aggregate classification (germline): Likely benign (0 of 4 stars; one submission).

Conditions:
SIM1-related disorder. Also called: SIM1-related condition; SIM1-related disorders.

gnomAD v4.1: 2 of 1,614,020 alleles (0.00012%); highest among the groups gnomAD compares: Non-Finnish European, 0.00017%; no homozygotes.

Submission:

PreventionGenetics, part of Exact Sciences
Classification: Likely benign for SIM1-related condition. Last evaluated: 2022-03-31. Review status: no assertion criteria provided. Collection method: clinical testing. Allele origin: germline.
Comment: This variant is classified as likely benign based on ACMG/AMP sequence variant interpretation guidelines (Richards et al. 2015 PMID: 25741868, with internal and published modifications).

NM_005068.3(SIM1):c.2073C>T (p.His691=)

Gene: SIM1 (SIM bHLH transcription factor 1; minus strand). Cytogenetic location: 6q16.3.
Variant type: single nucleotide variant.
Coding change: c.2073C>T on transcript NM_005068.3 (MANE Select); coding-DNA position 2073, C replaced by T.
Protein change: p.His691=; no amino-acid change (histidine 691 retained).
Molecular consequence: synonymous variant.
Genome position (GRCh38, 1-based): chr6:100,390,589, G>A on the plus strand (C>T on the coding strand, the complement: SIM1 is on the minus strand). VCF-style: chr6-100390589-G-A. GRCh37 (hg19) VCF-style: chr6-100838465-G-A.
Other names: c.2073C>T, p.His691= (NM_001374769.1).
Identifiers: ClinVar variation 3351368 (VCV003351368.1).